The following is an entry in ClinVar:

ClinVar aggregate classification (germline): Conflicting classifications of pathogenicity. Review status: criteria provided, conflicting classifications (1 of 4 stars). 2 submissions from 2 submitters: Likely pathogenic (1); Uncertain significance (1). Last evaluated 2026-07-17.

Conditions:
Familial adenomatous polyposis 2. Also called: MUTYH Polyposis; Adenomas, multiple colorectal; MUTYH-associated polyposis; MUTYH-related attenuated familial adenomatous polyposis; COLORECTAL ADENOMATOUS POLYPOSIS, AUTOSOMAL RECESSIVE; ADENOMAS, MULTIPLE COLORECTAL, AUTOSOMAL RECESSIVE. Identifiers: Orphanet 220460, Orphanet 247798, MedGen C3272841, MONDO:0012041, OMIM 608456.

Submissions (2):

Myriad Genetics, Inc.
Classification: Likely pathogenic for Familial adenomatous polyposis 2. Last evaluated: 2026-07-17. Review status: criteria provided, single submitter. Criteria: Myriad Autosomal Dominant, Autosomal Recessive and X-Linked Classification Criteria (2023). Collection method: clinical testing. Allele origin: unknown.
Comment: This variant is considered likely pathogenic. Functional studies indicate this variant impacts protein function [PMID: 40738107]. This variant is expected to disrupt protein structure [Myriad internal data].

Labcorp Genetics (formerly Invitae), Labcorp
Classification: Uncertain significance for Familial adenomatous polyposis 2. Last evaluated: 2021-08-28. Review status: criteria provided, single submitter. Criteria: Invitae Variant Classification Sherloc (09022015). Collection method: clinical testing. Allele origin: germline.
Comment: This sequence change replaces valine with phenylalanine at codon 132 of the MUTYH protein (p.Val132Phe). The valine residue is highly conserved and there is a small physicochemical difference between valine and phenylalanine. This variant is not present in population databases (ExAC no frequency). This variant has not been reported in the literature in individuals affected with MUTYH-related conditions. Algorithms developed to predict the effect of missense changes on protein structure and function (SIFT, PolyPhen-2, Align-GVGD) all suggest that this variant is likely to be disruptive. In summary, the available evidence is currently insufficient to determine the role of this variant in disease. Therefore, it has been classified as a Variant of Uncertain Significance.

Literature cited by the submitters: PubMed 40738107 (cited by Myriad Genetics, Inc.).

NM_001048174.2(MUTYH):c.310G>T (p.Val104Phe)

Gene: MUTYH (mutY DNA glycosylase; minus strand). Cytogenetic location: 1p34.1.
Variant type: single nucleotide variant.
Coding change: c.310G>T on transcript NM_001048174.2 (MANE Select); coding-DNA position 310, G replaced by T.
Protein change: p.Val104Phe; replaces valine 104 with phenylalanine.
Molecular consequence: missense variant. On other transcripts: non-coding transcript variant (1), intron variant (2).
Genome position (GRCh38, 1-based): chr1:45,333,165, C>A on the plus strand (G>T on the coding strand, the complement: MUTYH is on the minus strand). VCF-style: chr1-45333165-C-A. GRCh37 (hg19) VCF-style: chr1-45798837-C-A.
Other names: c.310G>T, p.Val104Phe (NM_001048171.2, NM_001048173.2, NM_001293195.2); c.313G>T, p.Val105Phe (NM_001048172.2); c.394G>T, p.Val132Phe (NM_001128425.2); c.355G>T, p.Val119Phe (NM_001293190.2); c.343G>T, p.Val115Phe (NM_001293191.2); c.34G>T, p.Val12Phe (NM_001293192.2, NM_001293196.2); c.385G>T, p.Val129Phe (NM_012222.3); c.33+120G>T (NM_001350651.2, NM_001350650.2); short protein forms V105F, V129F, V12F, V132F, V115F, V104F, V119F.
Identifiers: ClinVar variation 957743 (VCV000957743.7), dbSNP rs763273196, ClinGen allele CA340136208.
Genomic context (GRCh38, chr1:45,333,165, plus strand): 5'-ATCCGGTATAGTAGTTGATCACAGTGGCAACCTGGGTCTGCTGCAGCATGACCTCTGAGA[C>A]CCACACTGGGGGAAAGGGGTTGGCATGAGGACACTGCTGACCTGCCCCTACCTGGCCCAC-3'
Protein context (NP_001041639.1, residues 94-114): DLDRRAYAVW[Val104Phe]SEVMLQQTQV